The following is an entry in ClinVar:

NM_006941.4(SOX10):c.900C>G (p.Tyr300Ter)

Genes: POLR2F (RNA polymerase II, I and III subunit F; plus strand), SOX10 (SRY-box transcription factor 10; minus strand). Cytogenetic location: 22q13.1.
Variant type: single nucleotide variant.
Coding change: c.900C>G on transcript NM_006941.4 (MANE Select); coding-DNA position 900, C replaced by G.
Protein change: p.Tyr300Ter; replaces tyrosine 300 with a stop codon.
Molecular consequence: nonsense. On other transcripts: intron variant (3).
Genome position (GRCh38, 1-based): chr22:37,973,996, G>C on the plus strand (C>G on the coding strand, the complement: SOX10 is on the minus strand). VCF-style: chr22-37973996-G-C. GRCh37 (hg19) VCF-style: chr22-38370003-G-C.
Other names: c.*38+1686G>C (NM_001363825.1); c.293+6826G>C (NM_001301130.2, NM_001301131.2); short protein forms Y300*.
Identifiers: ClinVar variation 3346330 (VCV003346330.1).

ClinVar aggregate classification (germline): Likely pathogenic (0 of 4 stars; one submission).

Conditions:
SOX10-related disorder. Also called: SOX10-related condition.

Submission:

PreventionGenetics, part of Exact Sciences
Classification: Likely pathogenic for SOX10-related condition. Last evaluated: 2024-05-08. Review status: no assertion criteria provided. Collection method: clinical testing. Allele origin: germline.
Comment: The SOX10 c.900C>G variant is predicted to result in premature protein termination (p.Tyr300*). To our knowledge, this variant has not been reported in the literature or in a large population database, indicating this variant is rare. Nonsense variants in SOX10 are expected to be pathogenic. This variant is interpreted as likely pathogenic.